The following is an entry in ClinVar:

NM_001098512.3(PRKG1):c.-68GCC[7]

Gene: PRKG1 (protein kinase cGMP-dependent 1; plus strand). Cytogenetic location: 10q11.23.
Variant type: Microsatellite.
Coding change: c.-68GCC[7] on transcript NM_001098512.3; seven copies in a row of the 3-base unit GCC starting at c.-68; the reference has 11 copies in a row; four copies, 12 bases deleted.
Molecular consequence: 5 prime UTR variant.
Genome position (GRCh38, 1-based): chr10:50,991,332-50,991,343, GCCGCCGCCGCC deleted; deleting any 12 consecutive bases within chr10:50,991,311-50,991,343 gives the same sequence; the position shown is the placement nearest the transcript's 3' end. VCF-style (leftmost placement, unchanged base first): chr10-50991310-AGCCGCCGCCGCC-A. GRCh37 (hg19) VCF-style: chr10-52751070-AGCCGCCGCCGCC-A.
Identifiers: ClinVar variation 4681262 (VCV004681262.5).

ClinVar aggregate classification (germline): Likely benign (1 of 4 stars; one submission).

Submission:

CeGaT Center for Human Genetics Tuebingen
Classification: Likely benign. Last evaluated: 2026-08-01. Review status: criteria provided, single submitter. Criteria: CeGaT Center For Human Genetics Tuebingen Variant Classification Criteria Version 2. Collection method: clinical testing. Allele origin: germline. Affected: yes. Observed: 5 variant alleles.
Comment: PRKG1: BS2